The following is an entry in ClinVar:

NM_172369.5(C1QC):c.230A>G (p.Glu77Gly)

Gene: C1QC (complement C1q C chain; plus strand). Cytogenetic location: 1p36.12.
Variant type: single nucleotide variant.
Coding change: c.230A>G on transcript NM_172369.5 (MANE Select); coding-DNA position 230, A replaced by G.
Protein change: p.Glu77Gly; replaces glutamic acid 77 with glycine.
Molecular consequence: missense variant. On other transcripts: 5 prime UTR variant (1).
Genome position (GRCh38, 1-based): chr1:22,647,275, A>G. VCF-style: chr1-22647275-A-G. GRCh37 (hg19) VCF-style: chr1-22973768-A-G.
Other names: c.230A>G, p.Glu77Gly (NM_001114101.3, NM_001347619.2); c.-38A>G (NM_001347620.2); short protein forms E77G.
Identifiers: ClinVar variation 1062279 (VCV001062279.7), dbSNP rs373488869, ClinGen allele CA677935.
Genomic context (GRCh38, chr1:22,647,275, plus strand): 5'-CTCCATCTCCAGGAATCCCAGCCATTCCCGGGATCCGAGGACCCAAAGGGCAGAAGGGAG[A>G]ACCCGGCTTACCCGGCCATCCTGGGAAAAATGGCCCCATGGGACCCCCTGGGATGCCAGG-3'
Protein context (NP_758957.2, residues 67-87): GIRGPKGQKG[Glu77Gly]PGLPGHPGKN

ClinVar aggregate classification (germline): Uncertain significance (1 of 4 stars; one submission).

Allele frequency attached by ClinVar (database versions not stated): gnomAD 0.00001 and 0.00002; gnomAD exomes 0.00001; TOPMed 0.00001; ESP Exome Variant Server 0.00008; ExAC 0.00001.
gnomAD v4.1: 14 of 1,611,934 alleles (0.00087%); highest among the groups gnomAD compares: Non-Finnish European, 0.00093%; no homozygotes.

Submission:

Labcorp Genetics (formerly Invitae), Labcorp
Classification: Uncertain significance. Last evaluated: 2024-12-02. Review status: criteria provided, single submitter. Criteria: Invitae Variant Classification Sherloc (09022015). Collection method: clinical testing. Allele origin: germline.
Comment: This sequence change replaces glutamic acid, which is acidic and polar, with glycine, which is neutral and non-polar, at codon 77 of the C1QC protein (p.Glu77Gly). This variant is present in population databases (rs373488869, gnomAD 0.0008%). This variant has not been reported in the literature in individuals affected with C1QC-related conditions. ClinVar contains an entry for this variant (Variation ID: 1062279). An algorithm developed to predict the effect of missense changes on protein structure and function (PolyPhen-2) suggests that this variant¬†is likely to be tolerated. In summary, the available evidence is currently insufficient to determine the role of this variant in disease. Therefore, it has been classified as a Variant of Uncertain Significance.